The following is an entry in ClinVar:

ClinVar aggregate classification (germline): Uncertain significance (1 of 4 stars; one submission).

Conditions:
X-linked agammaglobulinemia with growth hormone deficiency (IGHD3). Also called: AGAMMAGLOBULINEMIA AND ISOLATED GROWTH HORMONE DEFICIENCY, X-LINKED; FLEISHER SYNDROME; HYPOGAMMAGLOBULINEMIA AND ISOLATED GROWTH HORMONE DEFICIENCY, X-LINKED; IGHD III; Isolated growth hormone deficiency type 3; Growth hormone deficiency with hypogammaglobulinemia. Identifiers: Orphanet 231692, Orphanet 631, MedGen C0472813, MONDO:0010615, OMIM 307200.

gnomAD v4.1: 2 of 1,210,642 alleles (0.00017%); highest among the groups gnomAD compares: African/African-American, 0.0035%; no homozygotes.

Submission:

Labcorp Genetics (formerly Invitae), Labcorp
Classification: Uncertain significance for X-linked agammaglobulinemia with growth hormone deficiency. Last evaluated: 2025-12-03. Review status: criteria provided, single submitter. Criteria: Invitae Variant Classification Sherloc (09022015). Collection method: clinical testing. Allele origin: germline.
Comment: This sequence change replaces aspartic acid, which is acidic and polar, with glycine, which is neutral and non-polar, at codon 137 of the BTK protein (p.Asp137Gly). This variant is present in population databases (rs782369365, gnomAD 0.02%). This variant has not been reported in the literature in individuals affected with BTK-related conditions. Invitae Evidence Modeling of protein sequence and biophysical properties (such as structural, functional, and spatial information, amino acid conservation, physicochemical variation, residue mobility, and thermodynamic stability) indicates that this missense variant is not expected to disrupt BTK protein function with a negative predictive value of 95%. In summary, the available evidence is currently insufficient to determine the role of this variant in disease. Therefore, it has been classified as a Variant of Uncertain Significance.

NM_000061.3(BTK):c.410A>G (p.Asp137Gly)

Gene: BTK (Bruton tyrosine kinase; minus strand). Cytogenetic location: Xq22.1.
Variant type: single nucleotide variant.
Coding change: c.410A>G on transcript NM_000061.3 (MANE Select); coding-DNA position 410, A replaced by G.
Protein change: p.Asp137Gly; replaces aspartic acid 137 with glycine.
Molecular consequence: missense variant.
Genome position (GRCh38, 1-based): chrX:101,362,671, T>C on the plus strand (A>G on the coding strand, the complement: BTK is on the minus strand). VCF-style: chrX-101362671-T-C. GRCh37 (hg19) VCF-style: chrX-100617659-T-C.
Other names: c.512A>G, p.Asp171Gly (NM_001287344.2); c.410A>G, p.Asp137Gly (NM_001287345.2); short protein forms D137G, D171G.
Identifiers: ClinVar variation 4810161 (VCV004810161.1).